The following is an entry in ClinVar:

NM_001018113.3(FANCB):c.2371A>G (p.Ser791Gly)

Gene: FANCB (FA complementation group B; minus strand). Cytogenetic location: Xp22.2.
Variant type: single nucleotide variant.
Coding change: c.2371A>G on transcript NM_001018113.3 (MANE Select); coding-DNA position 2371, A replaced by G.
Protein change: p.Ser791Gly; replaces serine 791 with glycine.
Molecular consequence: missense variant.
Genome position (GRCh38, 1-based): chrX:14,843,776, T>C on the plus strand (A>G on the coding strand, the complement: FANCB is on the minus strand). VCF-style: chrX-14843776-T-C. GRCh37 (hg19) VCF-style: chrX-14861898-T-C.
Other names: c.2371A>G, p.Ser791Gly (NM_001324162.2, NM_152633.4); short protein forms S791G.
Identifiers: ClinVar variation 1432074 (VCV001432074.7), dbSNP rs2147386876, ClinGen allele CA412437550.

ClinVar aggregate classification (germline): Uncertain significance. Review status: criteria provided, multiple submitters, no conflicts (2 of 4 stars). 2 submissions from 2 submitters: Uncertain significance (2). Last evaluated 2021-08-28.

Conditions:
Fanconi anemia (FA). Also called: Fanconi's anemia. Identifiers: Orphanet 84, MedGen C0015625, MeSH D005199, MONDO:0019391.

Allele frequency attached by ClinVar (database versions not stated): gnomAD exomes below 0.00001.
gnomAD v4.1: 1 of 1,211,395 alleles (0.000083%); highest among the groups gnomAD compares: Non-Finnish European, 0.00011%; no homozygotes.

Submissions (2):

Labcorp Genetics (formerly Invitae), Labcorp
Classification: Uncertain significance for Fanconi anemia. Last evaluated: 2021-08-28. Review status: criteria provided, single submitter. Criteria: Invitae Variant Classification Sherloc (09022015). Collection method: clinical testing. Allele origin: germline.
Comment: This variant is not present in population databases (ExAC no frequency). In summary, the available evidence is currently insufficient to determine the role of this variant in disease. Therefore, it has been classified as a Variant of Uncertain Significance. Algorithms developed to predict the effect of missense changes on protein structure and function (SIFT, PolyPhen-2, Align-GVGD) all suggest that this variant is likely to be tolerated. This variant has not been reported in the literature in individuals affected with FANCB-related conditions. This sequence change replaces serine with glycine at codon 791 of the FANCB protein (p.Ser791Gly). The serine residue is weakly conserved and there is a small physicochemical difference between serine and glycine.

Sema4
Classification: Uncertain significance for Fanconi anemia. Last evaluated: 2021-04-30. Review status: criteria provided, single submitter. Criteria: Sema4 Curation Guidelines. Collection method: curation. Allele origin: germline.
Comment: The FANCB c.2371A>G (p.S791G) variant has not been reported in the literature to our knowledge. It was not observed in the large and broad cohorts of the Genome Aggregation Database (PMID: 32461654). The variant has not been reported in ClinVar. In silico tools suggest the impact of the variant on protein function is inconclusive, though these predictions have not been confirmed by functional studies. The evidence is insufficient to meet ACMG/AMP criteria for classifying the variant as benign or pathogenic. Thus, the clinical significance of this variant is currently uncertain.